The following is an entry in ClinVar:

ClinVar aggregate classification (germline): Benign/Likely benign. Review status: criteria provided, multiple submitters, no conflicts (2 of 4 stars). 6 submissions from 6 submitters: Benign (1); Likely benign (2). 3 of the submissions do not count toward it. Last evaluated 2026-01-25.

Conditions:
Hajdu-Cheney syndrome (HJCYS). Also called: Acroosteolysis dominant type; ACROOSTEOLYSIS WITH OSTEOPOROSIS AND CHANGES IN SKULL AND MANDIBLE; SERPENTINE FIBULA-POLYCYSTIC KIDNEY SYNDROME. Identifiers: Orphanet 955, MedGen C0917715, MONDO:0007057, OMIM 102500.

Allele frequency attached by ClinVar (database versions not stated): 1000 Genomes Project 0.00140; ExAC 0.00143; 1000 Genomes Project 30x 0.00156; ESP Exome Variant Server 0.00008; gnomAD 0.00015 and 0.00039; TOPMed 0.00017; gnomAD exomes 0.00127.
gnomAD v4.1: 1,146 of 1,614,020 alleles (0.071%); highest among the groups gnomAD compares: South Asian, 0.91%; 11 homozygotes.

Submissions (6):

Labcorp Genetics (formerly Invitae), Labcorp
Classification: Benign for Hajdu-Cheney syndrome. Last evaluated: 2026-01-25. Review status: criteria provided, single submitter. Criteria: Invitae Variant Classification Sherloc (09022015). Collection method: clinical testing. Allele origin: germline.

CeGaT Center for Human Genetics Tuebingen
Classification: Likely benign. Last evaluated: 2025-09-01. Review status: criteria provided, single submitter. Criteria: CeGaT Center For Human Genetics Tuebingen Variant Classification Criteria Version 2. Collection method: clinical testing. Allele origin: germline. Affected: yes. Observed: 1 variant allele.
Comment: NOTCH2: BS1

Blueprint Genetics
Classification: Likely benign. Last evaluated: 2024-11-26. Review status: criteria provided, single submitter. Criteria: ACMG Guidelines, 2015. Collection method: clinical testing. Allele origin: germline.

Diagnostic Laboratory, Department of Genetics, University Medical Center Groningen
Classification: Likely benign. Review status: no assertion criteria provided. Collection method: clinical testing. Allele origin: germline. Affected: yes. Study: VKGL Data-share Consensus. Not counted in ClinVar's aggregate classification.

Genome Diagnostics Laboratory, University Medical Center Utrecht
Classification: Benign. Review status: no assertion criteria provided. Collection method: clinical testing. Allele origin: germline. Affected: yes. Study: VKGL Data-share Consensus. Not counted in ClinVar's aggregate classification.

Laboratory of Diagnostic Genome Analysis, Leiden University Medical Center (LUMC)
Classification: Likely benign. Review status: no assertion criteria provided. Collection method: clinical testing. Allele origin: germline. Affected: yes. Study: VKGL Data-share Consensus. Not counted in ClinVar's aggregate classification.

NM_024408.4(NOTCH2):c.3479A>G (p.His1160Arg)

Gene: NOTCH2 (notch receptor 2; minus strand). Cytogenetic location: 1p12.
Variant type: single nucleotide variant.
Coding change: c.3479A>G on transcript NM_024408.4 (MANE Select); coding-DNA position 3479, A replaced by G.
Protein change: p.His1160Arg; replaces histidine 1160 with arginine.
Molecular consequence: missense variant.
Genome position (GRCh38, 1-based): chr1:119,937,325, T>C on the plus strand (A>G on the coding strand, the complement: NOTCH2 is on the minus strand). VCF-style: chr1-119937325-T-C. GRCh37 (hg19) VCF-style: chr1-120479948-T-C.
Other names: c.3479A>G, p.His1160Arg (NM_001200001.2); short protein forms H1160R.
Identifiers: ClinVar variation 463174 (VCV000463174.23), dbSNP rs142876168, ClinGen allele CA1040055.
Genomic context (GRCh38, chr1:119,937,325, plus strand): 5'-TTGCTCAGTGTCCTCACCTCGCATCTGTATCCACCAATGAAGTCACTGCATGTTGCCCCG[T>C]GCTGGCAGGGGTTGGACGCACACTCATCGAGTTGCTCCTCACAGTAGCTCCCAGTATAGC-3'
Protein context (NP_077719.2, residues 1150-1170): LDECASNPCQ[His1160Arg]GATCSDFIGG